The following is an entry in ClinVar:

ClinVar aggregate classification (germline): Uncertain significance (1 of 4 stars; one submission).

Conditions:
Developmental and epileptic encephalopathy. Identifiers: MedGen C5779964, MONDO:0100620.

Allele frequency attached by ClinVar (database versions not stated): gnomAD 0.00003; gnomAD exomes 0.00003; ExAC 0.00005; TOPMed 0.00005.
gnomAD v4.1: 56 of 1,614,046 alleles (0.0035%); highest among the groups gnomAD compares: African/African-American, 0.012%; no homozygotes.

Submission:

Labcorp Genetics (formerly Invitae), Labcorp
Classification: Uncertain significance for Early-infantile DEE. Last evaluated: 2022-04-12. Review status: criteria provided, single submitter. Criteria: Invitae Variant Classification Sherloc (09022015). Collection method: clinical testing. Allele origin: germline.
Comment: This sequence change replaces valine, which is neutral and non-polar, with methionine, which is neutral and non-polar, at codon 163 of the ST3GAL3 protein (p.Val163Met). This variant is present in population databases (rs778849429, gnomAD 0.01%). This variant has not been reported in the literature in individuals affected with ST3GAL3-related conditions. Algorithms developed to predict the effect of missense changes on protein structure and function are either unavailable or do not agree on the potential impact of this missense change (SIFT: "Deleterious"; PolyPhen-2: "Possibly Damaging"; Align-GVGD: "Class C0"). In summary, the available evidence is currently insufficient to determine the role of this variant in disease. Therefore, it has been classified as a Variant of Uncertain Significance.

NM_006279.5(ST3GAL3):c.487G>A (p.Val163Met)

Gene: ST3GAL3 (ST3 beta-galactoside alpha-2,3-sialyltransferase 3; plus strand). Cytogenetic location: 1p34.1.
Variant type: single nucleotide variant.
Coding change: c.487G>A on transcript NM_006279.5 (MANE Select); coding-DNA position 487, G replaced by A.
Protein change: p.Val163Met; replaces valine 163 with methionine.
Molecular consequence: missense variant. On other transcripts: non-coding transcript variant (7), intron variant (4).
Genome position (GRCh38, 1-based): chr1:43,899,193, G>A. VCF-style: chr1-43899193-G-A. GRCh37 (hg19) VCF-style: chr1-44364865-G-A.
Other names: c.487G>A, p.Val163Met (NM_001270459.2, NM_001350620.2, NM_174966.4); c.394G>A, p.Val132Met (NM_001270460.2); c.439G>A, p.Val147Met (NM_001270461.3, NM_001270464.3, NM_001410781.1 and 1 more transcripts); c.346G>A, p.Val116Met (NM_001270462.3); c.484G>A, p.Val162Met (NM_001270463.3, NM_001270465.3); c.532G>A, p.Val178Met (NM_001350619.2, NM_174964.4); c.208G>A, p.Val70Met (NM_001350621.2); c.649G>A, p.Val217Met (NM_001363573.2, NM_174968.5); and 6 more; short protein forms V132M, V162M, V178M, V232M, V147M, V201M, V116M, V163M.
Identifiers: ClinVar variation 1938525 (VCV001938525.2), dbSNP rs778849429, ClinGen allele CA814721.
Genomic context (GRCh38, chr1:43,899,193, plus strand): 5'-TCTCTGTACAGAGGTCTCCGCCTCTCTCCCCTCAGCCTCCGCTGCCGCCGCTGCATCATC[G>A]TGGGCAATGGAGGCGTTCTTGCCAACAAGTCTCTGGGGTCACGAATTGACGACTATGACA-3'
Protein context (NP_006270.1, residues 153-173): DSLRCRRCII[Val163Met]GNGGVLANKS